The following is an entry in ClinVar:

NM_152564.5(VPS13B):c.4952T>C (p.Ile1651Thr)

Gene: VPS13B (vacuolar protein sorting 13 homolog B; plus strand). Cytogenetic location: 8q22.2.
Variant type: single nucleotide variant.
Coding change: c.4952T>C on transcript NM_152564.5 (MANE Select); coding-DNA position 4952, T replaced by C.
Protein change: p.Ile1651Thr; replaces isoleucine 1651 with threonine.
Molecular consequence: missense variant.
Genome position (GRCh38, 1-based): chr8:99,575,660, T>C. VCF-style: chr8-99575660-T-C. GRCh37 (hg19) VCF-style: chr8-100587888-T-C.
Other names: c.5027T>C, p.Ile1676Thr (NM_017890.5); short protein forms I1651T, I1676T.
Identifiers: ClinVar variation 4997642 (VCV004997642.1).
Genomic context (GRCh38, chr8:99,575,660, plus strand): 5'-ATGAAAATTGTCTTTGAAAATAATGAAATGGCTAATAATCTTTTACTCTATCTTTTAGCA[T>C]ACGGCGGCATCAAGAAAGGAGAGCAATTTTGACCCCCGTTTTGACAGATTTTTCTGTCCG-3'
Protein context (NP_689777.3, residues 1641-1661): PALEWNMASS[Ile1651Thr]RRHQERRAIL

ClinVar aggregate classification (germline): Uncertain significance (1 of 4 stars; one submission).

Conditions:
VPS13B-related disorder. Also called: VPS13B-related condition.

gnomAD v4.1: 19 of 1,613,826 alleles (0.0012%); highest among the groups gnomAD compares: Admixed American, 0.0017%; no homozygotes.

Submission:

PreventionGenetics, part of Exact Sciences
Classification: Uncertain significance for VPS13B-related condition. Last evaluated: 2024-10-09. Review status: criteria provided, single submitter. Criteria: ACMG Guidelines, 2015. Collection method: clinical testing. Allele origin: germline.
Comment: The VPS13B c.4952T>C variant is predicted to result in the amino acid substitution p.Ile1651Thr. To our knowledge, this variant has not been reported in the literature. This variant is reported in 0.0033% of alleles in individuals of South Asian descent in gnomAD. At this time, the clinical significance of this variant is uncertain due to the absence of conclusive functional and genetic evidence.